The following is an entry in ClinVar:

ClinVar aggregate classification (germline): Uncertain significance. Review status: criteria provided, multiple submitters, no conflicts (2 of 4 stars). 2 submissions from 2 submitters: Uncertain significance (2). Last evaluated 2022-09-09.

Submissions (2):

Blueprint Genetics
Classification: Uncertain significance. Last evaluated: 2022-09-09. Review status: criteria provided, single submitter. Criteria: ACMG Guidelines, 2015. Collection method: clinical testing. Allele origin: germline.

Labcorp Genetics (formerly Invitae), Labcorp
Classification: Uncertain significance. Last evaluated: 2022-08-09. Review status: criteria provided, single submitter. Criteria: Invitae Variant Classification Sherloc (09022015). Collection method: clinical testing. Allele origin: germline.
Comment: In summary, the available evidence is currently insufficient to determine the role of this variant in disease. Therefore, it has been classified as a Variant of Uncertain Significance. Advanced modeling of protein sequence and biophysical properties (such as structural, functional, and spatial information, amino acid conservation, physicochemical variation, residue mobility, and thermodynamic stability) performed at Invitae indicates that this missense variant is not expected to disrupt GRM6 protein function. ClinVar contains an entry for this variant (Variation ID: 843657). This variant has not been reported in the literature in individuals affected with GRM6-related conditions. This variant is not present in population databases (gnomAD no frequency). This sequence change replaces arginine, which is basic and polar, with glycine, which is neutral and non-polar, at codon 381 of the GRM6 protein (p.Arg381Gly).

NM_000843.4(GRM6):c.1141C>G (p.Arg381Gly)

Genes: GRM6 (glutamate metabotropic receptor 6; minus strand), ZNF454 (zinc finger protein 454; plus strand). Cytogenetic location: 5q35.3.
Variant type: single nucleotide variant.
Coding change: c.1141C>G on transcript NM_000843.4 (MANE Select); coding-DNA position 1141, C replaced by G.
Protein change: p.Arg381Gly; replaces arginine 381 with glycine.
Molecular consequence: missense variant.
Genome position (GRCh38, 1-based): chr5:178,989,277, G>C on the plus strand (C>G on the coding strand, the complement: GRM6 is on the minus strand). VCF-style: chr5-178989277-G-C. GRCh37 (hg19) VCF-style: chr5-178416278-G-C.
Other names: short protein forms R381G.
Identifiers: ClinVar variation 843657 (VCV000843657.12), dbSNP rs772521795, ClinGen allele CA133027925.